The following is an entry in ClinVar:

NM_014003.4(DHX38):c.1096C>T (p.Gln366Ter)

Gene: DHX38 (DEAH-box helicase 38; plus strand). Cytogenetic location: 16q22.2.
Variant type: single nucleotide variant.
Coding change: c.1096C>T on transcript NM_014003.4 (MANE Select); coding-DNA position 1096, C replaced by T.
Protein change: p.Gln366Ter; replaces glutamine 366 with a stop codon.
Molecular consequence: nonsense.
Genome position (GRCh38, 1-based): chr16:72,099,867, C>T. VCF-style: chr16-72099867-C-T. GRCh37 (hg19) VCF-style: chr16-72133766-C-T.
Other names: short protein forms Q366*.
Identifiers: ClinVar variation 1495517 (VCV001495517.6), dbSNP rs966449926, ClinGen allele CA396704584.

ClinVar aggregate classification (germline): Uncertain significance (1 of 4 stars; one submission).

gnomAD v4.1: 6 of 1,608,714 alleles (0.00037%); highest among the groups gnomAD compares: South Asian, 0.0011%; no homozygotes.

Submission:

Labcorp Genetics (formerly Invitae), Labcorp
Classification: Uncertain significance. Last evaluated: 2022-06-20. Review status: criteria provided, single submitter. Criteria: Invitae Variant Classification Sherloc (09022015). Collection method: clinical testing. Allele origin: germline.
Comment: This sequence change creates a premature translational stop signal (p.Gln366*) in the DHX38 gene. It is expected to result in an absent or disrupted protein product. However, the current clinical and genetic evidence is not sufficient to establish whether loss-of-function variants in DHX38 cause disease. This variant is not present in population databases (gnomAD no frequency). This variant has not been reported in the literature in individuals affected with DHX38-related conditions. In summary, the available evidence is currently insufficient to determine the role of this variant in disease. Therefore, it has been classified as a Variant of Uncertain Significance.